The following is an entry in ClinVar:

NM_004655.4(AXIN2):c.1908-3T>C

Gene: AXIN2 (axin 2; minus strand). Cytogenetic location: 17q24.1.
Variant type: single nucleotide variant.
Coding change: c.1908-3T>C on transcript NM_004655.4 (MANE Select); 3 bases into the intron before coding-DNA position 1908, T replaced by C.
Molecular consequence: intron variant.
Genome position (GRCh38, 1-based): chr17:65,536,556, A>G on the plus strand (T>C on the coding strand, the complement: AXIN2 is on the minus strand). VCF-style: chr17-65536556-A-G. GRCh37 (hg19) VCF-style: chr17-63532674-A-G.
Other names: c.1713-3T>C (NM_001363813.1).
Identifiers: ClinVar variation 1062457 (VCV001062457.10), dbSNP rs1287639468, ClinGen allele CA774131011.

ClinVar aggregate classification (germline): Conflicting classifications of pathogenicity. Review status: criteria provided, conflicting classifications (1 of 4 stars). 2 submissions from 2 submitters: Uncertain significance (1); Likely benign (1). Last evaluated 2024-07-09.

Conditions:
Oligodontia-cancer predisposition syndrome. Also called: TOOTH AGENESIS-COLORECTAL CANCER SYNDROME. Identifiers: Orphanet 300576, MedGen C1837750, MONDO:0012075, OMIM 608615. Disease mechanism: loss of function.

Allele frequency attached by ClinVar (database versions not stated): gnomAD exomes below 0.00001; TOPMed 0.00001.
gnomAD v4.1: 1 of 1,613,660 alleles (0.000062%); highest among the groups gnomAD compares: Non-Finnish European, 0.000085%; no homozygotes.

Submissions (2):

Myriad Genetics, Inc.
Classification: Likely benign for Oligodontia-cancer predisposition syndrome. Last evaluated: 2024-07-09. Review status: criteria provided, single submitter. Criteria: Myriad Autosomal Dominant, Autosomal Recessive and X-Linked Classification Criteria (2023). Collection method: clinical testing. Allele origin: unknown.
Comment: This variant is considered likely benign. This variant is intronic and is not expected to impact mRNA splicing.

Labcorp Genetics (formerly Invitae), Labcorp
Classification: Uncertain significance for Oligodontia-cancer predisposition syndrome. Last evaluated: 2020-10-23. Review status: criteria provided, single submitter. Criteria: Invitae Variant Classification Sherloc (09022015). Collection method: clinical testing. Allele origin: germline.
Comment: In summary, the available evidence is currently insufficient to determine the role of this variant in disease. Therefore, it has been classified as a Variant of Uncertain Significance. Nucleotide substitutions within the consensus splice site are a relatively common cause of aberrant splicing (PMID: 17576681, 9536098). Algorithms developed to predict the effect of sequence changes on RNA splicing suggest that this variant is not likely to affect RNA splicing, but this prediction has not been confirmed by published transcriptional studies. This variant has not been reported in the literature in individuals with AXIN2-related conditions. This variant is not present in population databases (ExAC no frequency). This sequence change falls in intron 7 of the AXIN2 gene. It does not directly change the encoded amino acid sequence of the AXIN2 protein, but it affects a nucleotide within the consensus splice site of the intron.

Literature cited by the submitters: PubMed 17576681 (cited by Labcorp Genetics (formerly Invitae), Labcorp); PubMed 9536098 (cited by Labcorp Genetics (formerly Invitae), Labcorp).